The following is an entry in ClinVar:

ClinVar aggregate classification (germline): Conflicting classifications of pathogenicity. Review status: criteria provided, conflicting classifications (1 of 4 stars). 2 submissions from 2 submitters: Uncertain significance (1); Likely benign (1). Last evaluated 2026-04-28.

Conditions:
Inborn genetic diseases. Identifiers: MedGen C0950123, MeSH D030342.

Allele frequency attached by ClinVar (database versions not stated): TOPMed below 0.00001; gnomAD exomes 0.00001.

Submissions (2):

Ambry Genetics
Classification: Likely benign for Inborn genetic diseases. Last evaluated: 2026-04-28. Review status: criteria provided, single submitter. Criteria: Ambry Variant Classification Scheme 2023. Collection method: clinical testing. Allele origin: germline.

Labcorp Genetics (formerly Invitae), Labcorp
Classification: Uncertain significance. Last evaluated: 2023-10-13. Review status: criteria provided, single submitter. Criteria: Invitae Variant Classification Sherloc (09022015). Collection method: clinical testing. Allele origin: germline.
Comment: This sequence change replaces lysine with glutamic acid at codon 155 of the SAMD9L protein (p.Lys155Glu). The lysine residue is weakly conserved and there is a small physicochemical difference between lysine and glutamic acid. This variant is not present in population databases (gnomAD no frequency). This variant has not been reported in the literature in individuals affected with SAMD9L-related conditions. ClinVar contains an entry for this variant (Variation ID: 1420813). Algorithms developed to predict the effect of missense changes on protein structure and function output the following: SIFT: "Not Available"; PolyPhen-2: "Benign"; Align-GVGD: "Not Available". The glutamic acid amino acid residue is found in multiple mammalian species, which suggests that this missense change does not adversely affect protein function. In summary, the available evidence is currently insufficient to determine the role of this variant in disease. Therefore, it has been classified as a Variant of Uncertain Significance.

NM_152703.5(SAMD9L):c.463A>G (p.Lys155Glu)

Gene: SAMD9L (sterile alpha motif domain containing 9 like; minus strand). Cytogenetic location: 7q21.2.
Variant type: single nucleotide variant.
Coding change: c.463A>G on transcript NM_152703.5 (MANE Select); coding-DNA position 463, A replaced by G.
Protein change: p.Lys155Glu; replaces lysine 155 with glutamic acid.
Molecular consequence: missense variant.
Genome position (GRCh38, 1-based): chr7:93,135,509, T>C on the plus strand (A>G on the coding strand, the complement: SAMD9L is on the minus strand). VCF-style: chr7-93135509-T-C. GRCh37 (hg19) VCF-style: chr7-92764822-T-C.
Other names: c.463A>G (NM_152703.2); c.463A>G, p.Lys155Glu (NM_001350084.2, NM_001350085.2, NM_001303496.3 and 5 more transcripts); short protein forms K155E.
Identifiers: ClinVar variation 1420813 (VCV001420813.7), dbSNP rs1199309633, ClinGen allele CA368203080.
Genomic context (GRCh38, chr7:93,135,509, plus strand): 5'-GGCTGTCATGGAACTGATCAAAAGGATATGGCATACAAGTCAATTGTTCAGGTTTTAGCT[T>C]ACCCTTTTTCTTGTGTTTAGCATTTGCTACTTCATCTAACACATTTTCTTTCATAAGAAT-3'
Protein context (NP_689916.2, residues 145-165): VANAKHKKKG[Lys155Glu]LKPEQLTCMP